The following is an entry in ClinVar:

NM_005121.3(MED13):c.3030_3038del (p.1011TPR[3])

Gene: MED13 (mediator complex subunit 13; minus strand). Cytogenetic location: 17q23.2.
Variant type: Deletion.
Coding change: c.3030_3038del on transcript NM_005121.3 (MANE Select); coding-DNA positions 3030 to 3038, 9 bases deleted (AACTCCAAG; older notation c.3030_3038delAACTCCAAG).
Protein change: p.1011TPR[3].
Molecular consequence: inframe deletion.
Genome position (GRCh38, 1-based): chr17:61,982,965-61,982,973, CTTGGAGTT deleted on the plus strand (AACTCCAAG on the coding strand, the reverse complement: MED13 is on the minus strand). VCF-style (leftmost placement, unchanged base first): chr17-61982964-CCTTGGAGTT-C. GRCh37 (hg19) VCF-style: chr17-60060325-CCTTGGAGTT-C.
Identifiers: ClinVar variation 2634035 (VCV002634035.1), dbSNP rs1483371283, ClinGen allele CA501336727.
Genomic context (GRCh38, chr17:61,982,964, plus strand): 5'-TGAACCTTGAGCACTAGCAGGTCCACCAGCTCCACGAGGAGTCCGAGGAGTCCTTGGAGT[CCTTGGAGTT>C]GGAAACCGAGGGGTGGATGGAGAAGGAAGAATTCCTGCTCCGCTGTTACTAGGAGGTGCA-3'

ClinVar aggregate classification (germline): Uncertain significance (1 of 4 stars; one submission).

Conditions:
MED13-related disorder. Also called: MED13-related condition.

Allele frequency attached by ClinVar (database versions not stated): gnomAD exomes 0.00005; TOPMed 0.00005; gnomAD 0.00007.

Submission:

PreventionGenetics, part of Exact Sciences
Classification: Uncertain significance for MED13-related condition. Last evaluated: 2023-07-25. Review status: criteria provided, single submitter. Criteria: ACMG Guidelines, 2015. Collection method: clinical testing. Allele origin: germline.
Comment: The MED13 c.3030_3038del9 variant is predicted to result in an in-frame deletion (p.Pro1012_Thr1014del). To our knowledge, this variant has not been reported in the literature. This variant is reported in 0.017% of alleles in individuals of African descent in gnomAD. . Although we suspect that this variant may be benign, at this time, the clinical significance of this variant is uncertain due to the absence of conclusive functional and genetic evidence.